The following is an entry in ClinVar:

NM_001173464.2(KIF21A):c.-31C>T

Gene: KIF21A (kinesin family member 21A; minus strand). Cytogenetic location: 12q12.
Variant type: single nucleotide variant.
Coding change: c.-31C>T on transcript NM_001173464.2 (MANE Select); 31 bases upstream of the start codon, C replaced by T.
Molecular consequence: 5 prime UTR variant.
Genome position (GRCh38, 1-based): chr12:39,443,001, G>A on the plus strand (C>T on the coding strand, the complement: KIF21A is on the minus strand). VCF-style: chr12-39443001-G-A. GRCh37 (hg19) VCF-style: chr12-39836803-G-A.
Other names: c.-31C>T (NM_001173463.2, NM_001173465.2, NM_017641.4).
Identifiers: ClinVar variation 308594 (VCV000308594.5), dbSNP rs554379231, ClinGen allele CA6511360.

ClinVar aggregate classification (germline): Benign (1 of 4 stars; one submission).

Conditions:
Congenital fibrosis of extraocular muscles type 1. Also called: CFEOM3B; BLEPHAROPTOSIS WITH ABSENT EYE MOVEMENTS; OPHTHALMOPLEGIA, CONGENITAL; FEOM1 LOCUS. Identifiers: MedGen C1851102, MONDO:0021083, OMIM 135700.

Allele frequency attached by ClinVar (database versions not stated): ExAC below 0.00001; gnomAD exomes 0.00003; gnomAD 0.00011 and 0.00001; 1000 Genomes Project 0.00060; 1000 Genomes Project 30x 0.00078; TOPMed 0.00003.
gnomAD v4.1: 449 of 1,515,474 alleles (0.03%); highest among the groups gnomAD compares: East Asian, 1.1%; 5 homozygotes.

Submission:

Illumina Laboratory Services, Illumina
Classification: Benign for Congenital fibrosis of extraocular muscles type 1. Last evaluated: 2018-01-13. Review status: criteria provided, single submitter. Criteria: ICSL Variant Classification Criteria 13 December 2019. Collection method: clinical testing. Allele origin: germline.
Comment: This variant was observed in the ICSL laboratory as part of a predisposition screen in an ostensibly healthy population. It had not been previously curated by ICSL or reported in the Human Gene Mutation Database (HGMD: prior to June 1st, 2018), and was therefore a candidate for classification through an automated scoring system. Utilizing variant allele frequency, disease prevalence and penetrance estimates, and inheritance mode, an automated score was calculated to assess if this variant is too frequent to cause the disease. Based on the score and internal cut-off values, a variant classified as benign is not then subjected to further curation. The score for this variant resulted in a classification of benign for this disease.